The following is an entry in ClinVar:

NM_152564.5(VPS13B):c.8964T>C (p.Ala2988=)

Gene: VPS13B (vacuolar protein sorting 13 homolog B; plus strand). Cytogenetic location: 8q22.2.
Variant type: single nucleotide variant.
Coding change: c.8964T>C on transcript NM_152564.5 (MANE Select); coding-DNA position 8964, T replaced by C.
Protein change: p.Ala2988=; no amino-acid change (alanine 2988 retained).
Molecular consequence: synonymous variant.
Genome position (GRCh38, 1-based): chr8:99,820,092, T>C. VCF-style: chr8-99820092-T-C. GRCh37 (hg19) VCF-style: chr8-100832320-T-C.
Other names: c.9039T>C, p.Ala3013= (NM_017890.5).
Identifiers: ClinVar variation 1928528 (VCV001928528.8), dbSNP rs756929597, ClinGen allele CA4824594.

ClinVar aggregate classification (germline): Likely benign. Review status: criteria provided, single submitter (1 of 4 stars). 3 submissions from 3 submitters: Likely benign (1). 2 of the submissions do not count toward it. Last evaluated 2023-03-03.

Conditions:
Cohen syndrome (COH1). Also called: Cutis verticis gyrata, retinitis pigmentosa, and sensorineural deafness; PEPPER SYNDROME. Identifiers: Orphanet 193, MedGen C0265223, MONDO:0008999, OMIM 216550.
VPS13B-related disorder. Also called: VPS13B-related condition.

Allele frequency attached by ClinVar (database versions not stated): ExAC 0.00001; gnomAD exomes 0.00001.
gnomAD v4.1: 3 of 1,613,962 alleles (0.00019%); highest among the groups gnomAD compares: Non-Finnish European, 0.00025%; no homozygotes.

Submissions (3):

Labcorp Genetics (formerly Invitae), Labcorp
Classification: Likely benign for Cohen syndrome. Last evaluated: 2023-03-03. Review status: criteria provided, single submitter. Criteria: Invitae Variant Classification Sherloc (09022015). Collection method: clinical testing. Allele origin: germline.

Natera, Inc.
Classification: Uncertain significance for Cohen syndrome. Last evaluated: 2025-03-10. Review status: no assertion criteria provided. Collection method: clinical testing. Allele origin: germline. Not counted in ClinVar's aggregate classification.

PreventionGenetics, part of Exact Sciences
Classification: Likely benign for VPS13B-related condition. Last evaluated: 2021-12-06. Review status: no assertion criteria provided. Collection method: clinical testing. Allele origin: germline. Not counted in ClinVar's aggregate classification.
Comment: This variant is classified as likely benign based on ACMG/AMP sequence variant interpretation guidelines (Richards et al. 2015 PMID: 25741868, with internal and published modifications).